The following is an entry in ClinVar:

ClinVar aggregate classification (germline): Pathogenic. Review status: criteria provided, multiple submitters, no conflicts (2 of 4 stars). 7 submissions from 7 submitters: Pathogenic (6). 1 of the submissions does not count toward it. Last evaluated 2025-09-29.

Conditions:
Glycogen storage disease type III (GSD3). Also called: Cori disease; FORBES DISEASE. Identifiers: Orphanet 366, MedGen C0017922, MONDO:0009291, OMIM 232400.

Allele frequency attached by ClinVar (database versions not stated): gnomAD exomes below 0.00001 and 0.00001; gnomAD 0.00001.

Submissions (7):

Natera, Inc.
Classification: Pathogenic for Glycogen storage disease type III. Last evaluated: 2025-09-29. Review status: criteria provided, single submitter. Criteria: Natera Variant Classification Schema (03/2026). Collection method: clinical testing. Allele origin: germline.
Comment: The c.276delG variant in AGL is a frameshift variant predicted to shift the reading frame beginning at codon 92 and leads to a stop codon 16 codons downstream. This variant is expected to result in nonsense mediated decay, truncation, or a dysfunctional protein product. This variant is rare in the general population with a frequency below the threshold expected for the associated phenotype(s). This variant has been observed in one or more individuals affected with the associated recessive disease, as either homozygous or compound heterozygous with a second variant (PMID: 11977176). Given the available evidence, this variant is classified as Pathogenic.

Labcorp Genetics (formerly Invitae), Labcorp
Classification: Pathogenic for Glycogen storage disease type III. Last evaluated: 2024-07-23. Review status: criteria provided, single submitter. Criteria: Invitae Variant Classification Sherloc (09022015). Collection method: clinical testing. Allele origin: germline.
Comment: This sequence change creates a premature translational stop signal (p.Gln92Hisfs*16) in the AGL gene. It is expected to result in an absent or disrupted protein product. Loss-of-function variants in AGL are known to be pathogenic (PMID: 19299494). This variant is present in population databases (no rsID available, gnomAD no frequency). This premature translational stop signal has been observed in individual(s) with glycogen storage disease type III (PMID: 20490926). ClinVar contains an entry for this variant (Variation ID: 371401). For these reasons, this variant has been classified as Pathogenic.

Baylor Genetics
Classification: Pathogenic for Glycogen storage disease type III. Last evaluated: 2023-11-13. Review status: criteria provided, single submitter. Criteria: ACMG Guidelines, 2015. Collection method: clinical testing. Allele origin: unknown.

Fulgent Genetics
Classification: Pathogenic for Glycogen storage disease type III. Last evaluated: 2021-11-10. Review status: criteria provided, single submitter. Criteria: ACMG Guidelines, 2015. Collection method: clinical testing. Allele origin: unknown.

Genome-Nilou Lab
Classification: Pathogenic for Glycogen storage disease type III. Last evaluated: 2021-07-15. Review status: criteria provided, single submitter. Criteria: ACMG Guidelines, 2015. Collection method: clinical testing. Allele origin: germline. Affected: no.

Women's Health and Genetics/Laboratory Corporation of America, LabCorp
Classification: Pathogenic for Glycogen storage disease type III. Last evaluated: 2020-04-24. Review status: criteria provided, single submitter. Criteria: LabCorp Variant Classification Summary - May 2015. Collection method: clinical testing. Allele origin: germline.
Comment: Variant summary: AGL c.276delG (p.Gln92HisfsX16) results in a premature termination codon, predicted to cause a truncation of the encoded protein or absence of the protein due to nonsense mediated decay, which are commonly known mechanisms for disease. Truncations downstream of this position have been classified as pathogenic by our laboratory. The variant allele was found at a frequency of 8e-06 in 250684 control chromosomes (gnomAD). c.276delG has been reported in the literature in individuals affected with Glycogen Storage Disease Type III (Lucchiari_2002, Crushell_2010). These data indicate that the variant may be associated with disease. At least one publication reports this variant results in <10% of normal AGL activity (Crushell_2010). One ClinVar submitter (evaluation after 2014) cites the variant as pathogenic. Based on the evidence outlined above, the variant was classified as pathogenic.

Counsyl
Classification: Pathogenic for Glycogen storage disease type III. Last evaluated: 2016-09-13. Review status: no assertion criteria provided. Collection method: clinical testing. Allele origin: unknown. Not counted in ClinVar's aggregate classification.

Literature cited by the submitters: PubMed 11977176 (cited by 3 submitters); PubMed 19299494 (cited by Labcorp Genetics (formerly Invitae), Labcorp); PubMed 20490926 (cited by 3 submitters); PubMed 20648714 (cited by Women's Health and Genetics/Laboratory Corporation of America, LabCorp).

NM_000642.3(AGL):c.276del (p.Gln92fs)

Gene: AGL (amylo-alpha-1,6-glucosidase and 4-alpha-glucanotransferase; plus strand). Cytogenetic location: 1p21.2.
Variant type: Deletion.
Coding change: c.276del on transcript NM_000642.3 (MANE Select); coding-DNA position 276, one base deleted (G; older notation c.276delG).
Protein change: p.Gln92fs; shifts the reading frame from glutamine 92.
Molecular consequence: frameshift variant.
Genome position (GRCh38, 1-based): chr1:99,861,696, G deleted. VCF-style (leftmost placement, unchanged base first): chr1-99861695-AG-A. GRCh37 (hg19) VCF-style: chr1-100327251-AG-A.
Other names: c.276del (NM_000642.2); c.276delG, p.Gln92Hisfs (NM_000028.3, NM_000643.3, NM_000644.3 and 5 more transcripts); c.228delG, p.Gln76Hisfs (NM_000646.3); short protein forms Q92fs, Q76fs.
Identifiers: ClinVar variation 371401 (VCV000371401.13), dbSNP rs1057517243, ClinGen allele CA16040822.